The following is an entry in ClinVar:

ClinVar aggregate classification (germline): Uncertain significance (1 of 4 stars; one submission).

Conditions:
Temtamy syndrome (TEMTYS). Also called: MENTAL RETARDATION WITH OR WITHOUT CRANIOFACIAL DYSMORPHISM, OCULAR COLOBOMA, OR ABNORMAL CORPUS CALLOSUM. Identifiers: Orphanet 1777, MedGen C1857512, MONDO:0009033, OMIM 218340.

Submission:

Labcorp Genetics (formerly Invitae), Labcorp
Classification: Uncertain significance for Temtamy syndrome. Last evaluated: 2022-08-12. Review status: criteria provided, single submitter. Criteria: Invitae Variant Classification Sherloc (09022015). Collection method: clinical testing. Allele origin: germline.
Comment: This variant has not been reported in the literature in individuals affected with C12orf57-related conditions. Algorithms developed to predict the effect of missense changes on protein structure and function are either unavailable or do not agree on the potential impact of this missense change (SIFT: "Not Available"; PolyPhen-2: "Possibly Damaging"; Align-GVGD: "Not Available"). ClinVar contains an entry for this variant (Variation ID: 962330). This variant is present in population databases (no rsID available, gnomAD 0.2%). This sequence change replaces serine, which is neutral and polar, with isoleucine, which is neutral and non-polar, at codon 72 of the C12orf57 protein (p.Ser72Ile). In summary, the available evidence is currently insufficient to determine the role of this variant in disease. Therefore, it has been classified as a Variant of Uncertain Significance.

NM_138425.4(C12orf57):c.215_216delinsTT (p.Ser72Ile)

Gene: C12orf57 (chromosome 12 open reading frame 57; plus strand). Cytogenetic location: 12p13.31.
Variant type: Indel.
Coding change: c.215_216delinsTT on transcript NM_138425.4 (MANE Select); coding-DNA positions 215 to 216, GC replaced by TT.
Protein change: p.Ser72Ile; replaces serine 72 with isoleucine.
Molecular consequence: missense variant. On other transcripts: intron variant (1).
Genome position (GRCh38, 1-based): chr12:6,944,638-6,944,639, GC replaced by TT. VCF-style: chr12-6944638-GC-TT. GRCh37 (hg19) VCF-style: chr12-7053801-GC-TT.
Other names: c.215_216delinsTT, p.Ser72Ile (NM_001301834.1); c.176_177delinsTT, p.Ser59Ile (NM_001301836.2); c.110_111delinsTT, p.Ser37Ile (NM_001301838.2); c.142+73_142+74delinsTT (NM_001301837.2); short protein forms S37I, S59I, S72I.
Identifiers: ClinVar variation 962330 (VCV000962330.6), dbSNP rs1945748815, ClinGen allele CA1139662495.